The following is an entry in ClinVar:

ClinVar aggregate classification (germline): Conflicting classifications of pathogenicity. Review status: criteria provided, conflicting classifications (1 of 4 stars). 2 submissions from 2 submitters: Uncertain significance (1); Likely benign (1). Last evaluated 2023-10-18.

Conditions:
Progressive sclerosing poliodystrophy (MTDPS4A). Also called: ALPERS PROGRESSIVE INFANTILE POLIODYSTROPHY; NEURONAL DEGENERATION OF CHILDHOOD WITH LIVER DISEASE, PROGRESSIVE; Alpers-Huttenlocher Syndrome (AHS); Alpers Syndrome; Mitochondrial DNA Depletion Syndrome 4A; ALPERS DIFFUSE DEGENERATION OF CEREBRAL GRAY MATTER WITH HEPATIC CIRRHOSIS. Identifiers: Orphanet 726, MedGen C0205710, MONDO:0008758, OMIM 203700.

Allele frequency attached by ClinVar (database versions not stated): TOPMed below 0.00001; gnomAD 0.00001.

Submissions (2):

Labcorp Genetics (formerly Invitae), Labcorp
Classification: Uncertain significance for Progressive sclerosing poliodystrophy. Last evaluated: 2023-10-18. Review status: criteria provided, single submitter. Criteria: Invitae Variant Classification Sherloc (09022015). Collection method: clinical testing. Allele origin: germline.
Comment: This sequence change falls in intron 16 of the POLG gene. It does not directly change the encoded amino acid sequence of the POLG protein. This variant is present in population databases (no rsID available, gnomAD 0.0009%). This variant has not been reported in the literature in individuals affected with POLG-related conditions. ClinVar contains an entry for this variant (Variation ID: 381256). Algorithms developed to predict the effect of sequence changes on RNA splicing suggest that this variant may create or strengthen a splice site. In summary, the available evidence is currently insufficient to determine the role of this variant in disease. Therefore, it has been classified as a Variant of Uncertain Significance.

GeneDx
Classification: Likely benign. Last evaluated: 2015-10-29. Review status: criteria provided, single submitter. Criteria: GeneDx Variant Classification (06012015). Collection method: clinical testing. Allele origin: germline. Affected: yes.
Comment: This variant is considered likely benign or benign based on one or more of the following criteria: it is a conservative change, it occurs at a poorly conserved position in the protein, it is predicted to be benign by multiple in silico algorithms, and/or has population frequency not consistent with disease.

NM_002693.3(POLG):c.2598+15T>G

Gene: POLG (DNA polymerase gamma, catalytic subunit; minus strand). Cytogenetic location: 15q26.1.
Variant type: single nucleotide variant.
Coding change: c.2598+15T>G on transcript NM_002693.3 (MANE Select); 15 bases into the intron after coding-DNA position 2598, T replaced by G.
Molecular consequence: intron variant.
Genome position (GRCh38, 1-based): chr15:89,321,721, A>C on the plus strand (T>G on the coding strand, the complement: POLG is on the minus strand). VCF-style: chr15-89321721-A-C. GRCh37 (hg19) VCF-style: chr15-89864952-A-C.
Other names: c.2598+15T>G (NM_001126131.2).
Identifiers: ClinVar variation 381256 (VCV000381256.6), dbSNP rs1057520997, ClinGen allele CA16607061.